The following is an entry in ClinVar:

ClinVar aggregate classification (germline): Pathogenic/Likely pathogenic. Review status: criteria provided, multiple submitters, no conflicts (2 of 4 stars). 3 submissions from 3 submitters: Pathogenic (1); Likely pathogenic (1). 1 of the submissions does not count toward it. Last evaluated 2023-05-11.

Conditions:
PRDM5-related disorder. Also called: PRDM5-related condition.

Allele frequency attached by ClinVar (database versions not stated): gnomAD exomes below 0.00001.

Submissions (3):

Labcorp Genetics (formerly Invitae), Labcorp
Classification: Pathogenic. Last evaluated: 2023-05-11. Review status: criteria provided, single submitter. Criteria: Invitae Variant Classification Sherloc (09022015). Collection method: clinical testing. Allele origin: germline.
Comment: This sequence change creates a premature translational stop signal (p.Cys378Alafs*47) in the PRDM5 gene. It is expected to result in an absent or disrupted protein product. Loss-of-function variants in PRDM5 are known to be pathogenic (PMID: 21664999, 26395458). For these reasons, this variant has been classified as Pathogenic. This variant is present in population databases (no rsID available, gnomAD 0.003%). This variant has not been reported in the literature in individuals affected with PRDM5-related conditions.

Blueprint Genetics
Classification: Likely pathogenic for PRDM5-related disorders. Last evaluated: 2022-07-11. Review status: criteria provided, single submitter. Criteria: ACMG Guidelines, 2015. Collection method: clinical testing. Allele origin: germline. Affected: yes. Observed: 1 variant allele.

PreventionGenetics, part of Exact Sciences
Classification: Likely pathogenic for PRDM5-related condition. Last evaluated: 2023-11-16. Review status: no assertion criteria provided. Collection method: clinical testing. Allele origin: germline. Not counted in ClinVar's aggregate classification.
Comment: The PRDM5 c.1132delT variant is predicted to result in a frameshift and premature protein termination (p.Cys378Alafs*47). To our knowledge, this variant has not been reported in the literature. This variant is reported in 0.0033% of alleles in individuals of South Asian descent in gnomAD. Frameshift variants in PRDM5 are expected to be pathogenic. This variant is interpreted as likely pathogenic.

Literature cited by the submitters: PubMed 21664999 (cited by Labcorp Genetics (formerly Invitae), Labcorp); PubMed 26395458 (cited by Labcorp Genetics (formerly Invitae), Labcorp).

NM_018699.4(PRDM5):c.1132del (p.Cys378fs)

Gene: PRDM5 (PR/SET domain 5; minus strand). Cytogenetic location: 4q27.
Variant type: Deletion.
Coding change: c.1132del on transcript NM_018699.4 (MANE Select); coding-DNA position 1132, one base deleted (T; older notation c.1132delT).
Protein change: p.Cys378fs; shifts the reading frame from cysteine 378.
Molecular consequence: frameshift variant.
Genome position (GRCh38, 1-based): chr4:120,798,323, A deleted on the plus strand (T on the coding strand, the reverse complement: PRDM5 is on the minus strand). VCF-style (leftmost placement, unchanged base first): chr4-120798322-CA-C. GRCh37 (hg19) VCF-style: chr4-121719477-CA-C.
Other names: c.1132delT (NM_018699.3); c.1039del, p.Cys347fs (NM_001300823.2, NM_001300824.2, NM_001379106.1); c.1165del, p.Cys389fs (NM_001379104.1); short protein forms C378fs, C389fs, C347fs.
Identifiers: ClinVar variation 2788089 (VCV002788089.6), dbSNP rs1409412200, ClinGen allele CA554434920.
Genomic context (GRCh38, chr4:120,798,322, plus strand): 5'-TTTACCTTCTTATGATTCTTGTAAACATTTCTGTGGGCAAATCCCTTTCCACAAAGTTTG[CA>C]TTTGTAAGGTTTGTCTTCGCTGTGTATTACTTTGTGAGCACCCACTTGATCAAGCCTCTT-3'